The following is an entry in ClinVar:

NM_007186.6(CEP250):c.3526GCCCAG[2] (p.1176AQ[2])

Gene: CEP250 (centrosomal protein 250; plus strand). Cytogenetic location: 20q11.22.
Variant type: Microsatellite.
Coding change: c.3526GCCCAG[2] on transcript NM_007186.6 (MANE Select); two copies in a row of the 6-base unit GCCCAG starting at c.3526; the reference has three copies in a row; one copy, 6 bases deleted.
Protein change: p.1176AQ[2].
Molecular consequence: inframe deletion.
Genome position (GRCh38, 1-based): chr20:35,497,950-35,497,955, GCCCAG deleted; deleting any 6 consecutive bases within chr20:35,497,934-35,497,955 gives the same sequence; the position shown is the placement nearest the transcript's 3' end. VCF-style (leftmost placement, unchanged base first): chr20-35497933-ACCAGGC-A. GRCh37 (hg19) VCF-style: chr20-34085762-ACCAGGC-A.
Other names: c.3538_3543del6 (NM_007186.5); c.1630GCCCAG[2], p.544AQ[2] (NM_001318219.1).
Identifiers: ClinVar variation 1137978 (VCV001137978.12), dbSNP rs561035032, ClinGen allele CA9833490.

ClinVar aggregate classification (germline): Likely benign. Review status: criteria provided, multiple submitters, no conflicts (2 of 4 stars). 3 submissions from 3 submitters: Likely benign (2). 1 of the submissions does not count toward it. Last evaluated 2026-01-09.

Conditions:
CEP250-related disorder. Also called: CEP250-related condition.

Submissions (3):

Labcorp Genetics (formerly Invitae), Labcorp
Classification: Likely benign. Last evaluated: 2026-01-09. Review status: criteria provided, single submitter. Criteria: Invitae Variant Classification Sherloc (09022015). Collection method: clinical testing. Allele origin: germline.

Blueprint Genetics
Classification: Likely benign. Last evaluated: 2024-09-24. Review status: criteria provided, single submitter. Criteria: ACMG Guidelines, 2015. Collection method: clinical testing. Allele origin: germline.

PreventionGenetics, part of Exact Sciences
Classification: Likely benign for CEP250-related condition. Last evaluated: 2022-02-08. Review status: no assertion criteria provided. Collection method: clinical testing. Allele origin: germline. Not counted in ClinVar's aggregate classification.
Comment: This variant is classified as likely benign based on ACMG/AMP sequence variant interpretation guidelines (Richards et al. 2015 PMID: 25741868, with internal and published modifications).